The following is an entry in ClinVar:

NM_000256.3(MYBPC3):c.495G>C (p.Glu165Asp)

Gene: MYBPC3 (myosin binding protein C3; minus strand). Cytogenetic location: 11p11.2.
Variant type: single nucleotide variant.
Coding change: c.495G>C on transcript NM_000256.3 (MANE Select); coding-DNA position 495, G replaced by C.
Protein change: p.Glu165Asp; replaces glutamic acid 165 with aspartic acid.
Molecular consequence: missense variant.
Genome position (GRCh38, 1-based): chr11:47,350,024, C>G on the plus strand (G>C on the coding strand, the complement: MYBPC3 is on the minus strand). VCF-style: chr11-47350024-C-G. GRCh37 (hg19) VCF-style: chr11-47371575-C-G.
Other names: p.E165D:GAG>GAC; c.495G>C, p.Glu165Asp (LRG_386t1); short protein forms E165D.
Identifiers: ClinVar variation 181039 (VCV000181039.33), dbSNP rs730880619, ClinGen allele CA015249.

ClinVar aggregate classification (germline): Conflicting classifications of pathogenicity. Review status: criteria provided, conflicting classifications (1 of 4 stars). 12 submissions from 12 submitters: Uncertain significance (11); Likely benign (1). Last evaluated 2026-05-01.

Conditions:
Cardiovascular phenotype. Identifiers: MedGen CN230736.
MYBPC3-related disorder. Also called: MYBPC3-related disorders; MYBPC3-related condition; MYBPC3-related disease.
Left ventricular noncompaction 10 (LVNC10). Identifiers: Orphanet 154, Orphanet 54260, MedGen C3715165, MONDO:0014163, OMIM 615396.
Cardiomyopathy (CMYO). Also called: Cardiomyopathies. Identifiers: Orphanet 167848, MedGen C0878544, MONDO:0004994, HP:0001638. Inheritance: Various modes of inheritance.
Hypertrophic cardiomyopathy 4. Also called: Familial hypertrophic cardiomyopathy 4. Identifiers: MedGen C1861862, MONDO:0007268, OMIM 115197.
Hypertrophic cardiomyopathy. Also called: HYPERTROPHIC MYOCARDIOPATHY. Identifiers: Orphanet 217569, MedGen C0007194, MeSH D002312, MONDO:0005045, HP:0001639.

Allele frequency attached by ClinVar (database versions not stated): gnomAD 0.00001 and 0.00003; TOPMed 0.00002; gnomAD exomes 0.00004 and 0.00010; ExAC 0.00034.
gnomAD v4.1: 63 of 1,561,376 alleles (0.004%); highest among the groups gnomAD compares: Middle Eastern, 0.084%; 2 homozygotes.

Submissions (12):

PreventionGenetics, part of Exact Sciences
Classification: Uncertain significance for MYBPC3-related condition. Last evaluated: 2026-05-01. Review status: criteria provided, single submitter. Criteria: ACMG Guidelines, 2015. Collection method: clinical testing. Allele origin: germline.
Comment: The MYBPC3 c.495G>C variant is predicted to result in the amino acid substitution p.Glu165Asp. This variant has been reported in multiple individuals with hypertrophic cardiomyopathy or dilated cardiomyopathy and co-occurred with other likely pathogenic variants in some individuals (Girolami et al. 2010. PubMed ID: 20359594; Table S1, Norrish et al. 2019. PubMed ID: 31006259; Larsen et al. 2019. PubMed ID: 31729605; Table S3, Helms et al. 2020. PubMed ID: 32841044; Elfatih et al. 2021. PubMed ID: 34428338; Table S8, McGurk et al. 2023. PubMed ID: 37652022; Table S16, Jensson et al. 2023. PubMed ID: 37937776). In addition, this variant has been reported in an individual with sudden cardiac death (Table S16, Jensson et al. 2023. PubMed ID: 37937776), and has been observed as a secondary finding in an exome cohort (Table S2, Wenderholm et al. 2024. PubMed ID: 39486665). This variant is reported in 0.034% of alleles in individuals of South Asian descent in gnomAD and is interpreted as uncertain in ClinVar (Variation ID: 181039). At this time, the clinical significance of this variant is uncertain due to the absence of conclusive functional and genetic evidence.

CeGaT Center for Human Genetics Tuebingen
Classification: Likely benign. Last evaluated: 2026-01-01. Review status: criteria provided, single submitter. Criteria: CeGaT Center For Human Genetics Tuebingen Variant Classification Criteria Version 2. Collection method: clinical testing. Allele origin: germline. Affected: yes. Observed: 2 variant alleles.
Comment: MYBPC3: BS2

Labcorp Genetics (formerly Invitae), Labcorp
Classification: Uncertain significance for Hypertrophic cardiomyopathy. Last evaluated: 2025-12-14. Review status: criteria provided, single submitter. Criteria: Invitae Variant Classification Sherloc (09022015). Collection method: clinical testing. Allele origin: germline.
Comment: This sequence change replaces glutamic acid, which is acidic and polar, with aspartic acid, which is acidic and polar, at codon 165 of the MYBPC3 protein (p.Glu165Asp). This variant is present in population databases (rs730880619, gnomAD 0.03%), and has an allele count higher than expected for a pathogenic variant. This missense change has been observed in individual(s) with hypertrophic cardiomyopathy (PMID: 16858239, 18533079, 20359594, 22177269, 34400558). ClinVar contains an entry for this variant (Variation ID: 181039). An algorithm developed to predict the effect of missense changes on protein structure and function (PolyPhen-2) suggests that this variant is likely to be disruptive. In summary, the available evidence is currently insufficient to determine the role of this variant in disease. Therefore, it has been classified as a Variant of Uncertain Significance.

Ambry Genetics
Classification: Uncertain significance for Cardiovascular phenotype. Last evaluated: 2025-12-04. Review status: criteria provided, single submitter. Criteria: Ambry Variant Classification Scheme 2023. Collection method: clinical testing. Allele origin: germline.
Comment: The p.E165D variant (also known as c.495G>C), located in coding exon 4 of the MYBPC3 gene, results from a G to C substitution at nucleotide position 495. The glutamic acid at codon 165 is replaced by aspartic acid, an amino acid with highly similar properties. This variant co-occurred with two variants in the MYH7 gene in a proband with severe hypertrophic cardiomyopathy (HCM); however, two relatives who had only p.E165D were unaffected at the time of study, while relatives with HCM or signs of HCM also had an MYH7 variant (Girolami F et al. J Am Coll Cardiol, 2010 Apr;55:1444-53). This variant was also detected in additional HCM cohorts and in a sudden death case with signs of hypertrophy; however, in some cases, other variants in cardiomyopathy-related genes were also detected, clinical details were limited, and/or reports may overlap (Girolami F et al. J Cardiovasc Med (Hagerstown), 2006 Aug;7:601-7; Larsen MK et al. Forensic Sci Int, 2012 Jun;219:33-8; Norrish G et al. Circulation, 2019 Jul;140:184-192; Helms AS et al. Circ Genom Precis Med, 2020 Oct;13:396-405). This variant has also been reported as a secondary finding in exome cohorts (Kurzlechner LM et al. J Pers Med, 2022 Apr;12:; Jensson BO et al. N Engl J Med, 2023 Nov;389:1741-1752; Wenderholm K et al. Gene, 2025 Jan;935:149063). This amino acid position is highly conserved in available vertebrate species. In addition, the in silico prediction for this alteration is inconclusive. Based on the available evidence, the clinical significance of this variant remains unclear.

Genomic Medicine Center of Excellence, King Faisal Specialist Hospital and Research Centre
Classification: Uncertain significance for Hypertrophic cardiomyopathy 4. Last evaluated: 2024-12-19. Review status: criteria provided, single submitter. Criteria: ACMG Guidelines, 2015. Collection method: clinical testing. Allele origin: germline.

All of Us Research Program, National Institutes of Health
Classification: Uncertain significance for Hypertrophic cardiomyopathy. Last evaluated: 2024-08-13. Review status: criteria provided, single submitter. Criteria: ACMG Guidelines, 2015. Collection method: clinical testing. Allele origin: germline. Inheritance: Autosomal dominant inheritance. Observed: 12 variant alleles, 12 heterozygotes.
Comment: This missense variant replaces glutamic acid with aspartic acid at codon 165 of the MYBPC3 protein. Computational prediction suggests that this variant may not impact protein structure and function (internally defined REVEL score threshold <= 0.5, PMID: 27666373). To our knowledge, functional studies have not been reported for this variant. This variant has been reported in three individuals affected with hypertrophic cardiomyopathy, two of whom carried one or more different pathogenic variants in the MYH7 gene (PMID: 16858239, 18533079, 20359594). This variant has also been reported in two individuals affected with sudden cardiac death (PMID: 22177269), as well as in three individuals with abnormal or borderline ECG results (PMID: 34428338). This variant has been identified in 18/201294 chromosomes in the general population by the Genome Aggregation Database (gnomAD). The available evidence is insufficient to determine the role of this variant in disease conclusively. Therefore, this variant is classified as a Variant of Uncertain Significance.

This study involves interpretation of variants in research participants for the purpose of population health screening. Participant phenotype was not available at the time of variant classification. Additional details can be found in publication PMID: 35346344, PMCID: PMC8962531

Color Diagnostics, LLC DBA Color Health
Classification: Uncertain significance for Cardiomyopathy. Last evaluated: 2024-07-25. Review status: criteria provided, single submitter. Criteria: ACMG Guidelines, 2015. Collection method: clinical testing. Allele origin: germline.
Comment: This missense variant replaces glutamic acid with aspartic acid at codon 165 of the MYBPC3 protein. omputational prediction tools indicate that this variant has a neutral impact on protein structure and function. To our knowledge, functional studies have not been reported for this variant. This variant has been reported in individuals affected with hypertrophic cardiomyopathy (PMID: 16858239, 18533079, 20359594, 34400558). One of these individuals also carried a likely pathogenic variant in the same gene (PMID: 34400558) and another also carried a likely pathogenic variant in the MYH7 gene (PMID: 18533079, 20359594). This variant has also been reported in two individuals affected with sudden cardiac death (PMID: 22177269, 31729605). This variant has been identified in 18/201294 chromosomes in the general population by the Genome Aggregation Database (gnomAD). The available evidence is insufficient to determine the role of this variant in disease conclusively. Therefore, this variant is classified as a Variant of Uncertain Significance.

GeneDx
Classification: Uncertain significance. Last evaluated: 2024-02-21. Review status: criteria provided, single submitter. Criteria: GeneDx Variant Classification Process June 2021. Collection method: clinical testing. Allele origin: germline. Affected: yes.
Comment: In silico analysis supports that this missense variant does not alter protein structure/function; Identified in individuals with hypertrophic and/or dilated cardiomyopathy and co-occurred with other cardiogenetic variants in some patients (PMID: 18533079, 20359594, 34400558, 31729605); This variant is associated with the following publications: (PMID: 22177269, 16858239, 18533079, 31006259, 20359594, 34426522, 31589614, 34400558, 31729605)

Baylor Genetics
Classification: Uncertain significance for Left ventricular noncompaction 10. Last evaluated: 2020-06-08. Review status: criteria provided, single submitter. Criteria: ACMG Guidelines, 2015. Collection method: clinical testing. Allele origin: unknown. Affected: yes.
Comment: This variant was determined to be of uncertain significance according to ACMG Guidelines, 2015 [PMID:25741868].

Dubai Health Genomic Medicine Center, Dubai Health
Classification: Uncertain significance for Hypertrophic cardiomyopathy 4. Last evaluated: 2020-01-15. Review status: criteria provided, single submitter. Criteria: ACMG Guidelines, 2015. Collection method: clinical testing. Allele origin: germline. Affected: yes.

CHEO Genetics Diagnostic Laboratory, Children's Hospital of Eastern Ontario
Classification: Uncertain significance for Cardiomyopathy. Last evaluated: 2019-06-04. Review status: criteria provided, single submitter. Criteria: ACMG Guidelines, 2015. Collection method: clinical testing. Allele origin: germline.

Genetics and Genomics Program, Sidra Medicine
Classification: Uncertain significance for Hypertrophic cardiomyopathy. Review status: criteria provided, single submitter. Criteria: ACMG Guidelines, 2015. Collection method: research. Allele origin: unknown. Affected: yes. Observed: 1 variant allele.

Literature cited by the submitters: PubMed 16858239 (cited by 4 submitters); PubMed 18533079 (cited by 3 submitters); PubMed 20359594 (cited by 4 submitters); PubMed 22177269 (cited by 4 submitters); PubMed 34400558 (cited by Labcorp Genetics (formerly Invitae), Labcorp and Color Diagnostics, LLC DBA Color Health); PubMed 31006259 (cited by Ambry Genetics); PubMed 32841044 (cited by Ambry Genetics); PubMed 34428338 (cited by Ambry Genetics and All of Us Research Program, National Institutes of Health); PubMed 35629155 (cited by Ambry Genetics); PubMed 37937776 (cited by Ambry Genetics); PubMed 39486665 (cited by Ambry Genetics); PubMed 31729605 (cited by Color Diagnostics, LLC DBA Color Health).